The following is an entry in ClinVar:

ClinVar aggregate classification (germline): Uncertain significance. Review status: criteria provided, multiple submitters, no conflicts (2 of 4 stars). 2 submissions from 2 submitters: Uncertain significance (2). Last evaluated 2024-01-17.

Conditions:
Dilated cardiomyopathy 1HH (CMD1HH). Identifiers: Orphanet 154, MedGen C3151293, MONDO:0013479, OMIM 613881.
Myofibrillar myopathy 6. Identifiers: Orphanet 199340, MedGen C2751831, MONDO:0013061, OMIM 612954.
Cardiovascular phenotype. Identifiers: MedGen CN230736.

Allele frequency attached by ClinVar (database versions not stated): TOPMed below 0.00001; gnomAD 0.00001.
gnomAD v4.1: 1 of 1,614,118 alleles (0.000062%); highest among the groups gnomAD compares: Non-Finnish European, 0.000085%; no homozygotes.

Submissions (2):

Labcorp Genetics (formerly Invitae), Labcorp
Classification: Uncertain significance for Dilated cardiomyopathy 1HH; Myofibrillar myopathy 6. Last evaluated: 2024-01-17. Review status: criteria provided, single submitter. Criteria: Invitae Variant Classification Sherloc (09022015). Collection method: clinical testing. Allele origin: germline.
Comment: This sequence change replaces valine, which is neutral and non-polar, with isoleucine, which is neutral and non-polar, at codon 484 of the BAG3 protein (p.Val484Ile). This variant is not present in population databases (gnomAD no frequency). This variant has not been reported in the literature in individuals affected with BAG3-related conditions. ClinVar contains an entry for this variant (Variation ID: 1772948). Advanced modeling of protein sequence and biophysical properties (such as structural, functional, and spatial information, amino acid conservation, physicochemical variation, residue mobility, and thermodynamic stability) performed at Invitae indicates that this missense variant is not expected to disrupt BAG3 protein function with a negative predictive value of 80%. In summary, the available evidence is currently insufficient to determine the role of this variant in disease. Therefore, it has been classified as a Variant of Uncertain Significance.

Ambry Genetics
Classification: Uncertain significance for Cardiovascular phenotype. Last evaluated: 2020-11-25. Review status: criteria provided, single submitter. Criteria: Ambry Variant Classification Scheme 2023. Collection method: clinical testing. Allele origin: germline.
Comment: The p.V484I variant (also known as c.1450G>A), located in coding exon 4 of the BAG3 gene, results from a G to A substitution at nucleotide position 1450. The valine at codon 484 is replaced by isoleucine, an amino acid with highly similar properties. This amino acid position is highly conserved in available vertebrate species. In addition, the in silico prediction for this alteration is inconclusive. Since supporting evidence is limited at this time, the clinical significance of this alteration remains unclear.

NM_004281.4(BAG3):c.1450G>A (p.Val484Ile)

Gene: BAG3 (BAG cochaperone 3; plus strand). Cytogenetic location: 10q26.11.
Variant type: single nucleotide variant.
Coding change: c.1450G>A on transcript NM_004281.4 (MANE Select); coding-DNA position 1450, G replaced by A.
Protein change: p.Val484Ile; replaces valine 484 with isoleucine.
Molecular consequence: missense variant.
Genome position (GRCh38, 1-based): chr10:119,677,004, G>A. VCF-style: chr10-119677004-G-A. GRCh37 (hg19) VCF-style: chr10-121436516-G-A.
Other names: short protein forms V484I.
Identifiers: ClinVar variation 1772948 (VCV001772948.3), dbSNP rs1847248046, ClinGen allele CA378297341.